The following is an entry in ClinVar:

NM_000051.4(ATM):c.8354A>G (p.Asp2785Gly)

Genes: ATM (ATM serine/threonine kinase; plus strand), C11orf65 (chromosome 11 open reading frame 65; minus strand). Cytogenetic location: 11q22.3.
Variant type: single nucleotide variant.
Coding change: c.8354A>G on transcript NM_000051.4 (MANE Select); coding-DNA position 8354, A replaced by G.
Protein change: p.Asp2785Gly; replaces aspartic acid 2785 with glycine.
Molecular consequence: missense variant. On other transcripts: intron variant (2).
Genome position (GRCh38, 1-based): chr11:108,343,307, A>G. VCF-style: chr11-108343307-A-G. GRCh37 (hg19) VCF-style: chr11-108214034-A-G.
Other names: c.8354A>G, p.Asp2785Gly (NM_001351834.2); c.641-34236T>C (NM_001330368.2); c.695-8015T>C (NM_001351110.2); short protein forms D2785G.
Identifiers: ClinVar variation 654453 (VCV000654453.14), dbSNP rs1591248589, ClinGen allele CA382516490.

ClinVar aggregate classification (germline): Conflicting classifications of pathogenicity. Review status: criteria provided, conflicting classifications (1 of 4 stars). 3 submissions from 3 submitters: Uncertain significance (2); Likely benign (1). Last evaluated 2026-05-26.

Conditions:
Hereditary cancer-predisposing syndrome. Also called: Tumor predisposition; Hereditary neoplastic syndrome; Neoplastic Syndromes, Hereditary; Hereditary Cancer Syndrome. Identifiers: Orphanet 140162, MedGen C0027672, MeSH D009386, MONDO:0015356.
Ataxia-telangiectasia syndrome (AT). Also called: Ataxia-telangiectasia, complementation group D; AT, COMPLEMENTATION GROUP C; ATAXIA-TELANGIECTASIA, COMPLEMENTATION GROUP A; ATAXIA-TELANGIECTASIA, FRESNO VARIANT; Ataxia-telangiectasia; LOUIS-BAR SYNDROME. Identifiers: Orphanet 100, MedGen C0004135, MONDO:0008840, OMIM 208900.

Submissions (3):

Ambry Genetics
Classification: Likely benign for Hereditary cancer-predisposing syndrome. Last evaluated: 2026-05-26. Review status: criteria provided, single submitter. Criteria: Ambry Variant Classification Scheme 2023. Collection method: clinical testing. Allele origin: germline.

Center for Genomic Medicine, Rigshospitalet, Copenhagen University Hospital
Classification: Uncertain significance. Last evaluated: 2025-12-29. Review status: criteria provided, single submitter. Criteria: ACMG Guidelines, 2015. Collection method: clinical testing. Allele origin: germline.

Labcorp Genetics (formerly Invitae), Labcorp
Classification: Uncertain significance for Ataxia-telangiectasia syndrome. Last evaluated: 2024-02-20. Review status: criteria provided, single submitter. Criteria: Invitae Variant Classification Sherloc (09022015). Collection method: clinical testing. Allele origin: germline.
Comment: This sequence change replaces aspartic acid, which is acidic and polar, with glycine, which is neutral and non-polar, at codon 2785 of the ATM protein (p.Asp2785Gly). This variant is not present in population databases (gnomAD no frequency). This variant has not been reported in the literature in individuals affected with ATM-related conditions. ClinVar contains an entry for this variant (Variation ID: 654453). Algorithms developed to predict the effect of missense changes on protein structure and function output the following: SIFT: "Not Available"; PolyPhen-2: "Benign"; Align-GVGD: "Not Available". The glycine amino acid residue is found in multiple mammalian species, which suggests that this missense change does not adversely affect protein function. Algorithms developed to predict the effect of sequence changes on RNA splicing suggest that this variant may disrupt the consensus splice site. In summary, the available evidence is currently insufficient to determine the role of this variant in disease. Therefore, it has been classified as a Variant of Uncertain Significance.

Literature cited by the submitters: PubMed 40580951 (cited by Ambry Genetics).